The following is an entry in ClinVar:

NM_001142864.4(PIEZO1):c.7174G>A (p.Glu2392Lys)

Gene: PIEZO1 (piezo type mechanosensitive ion channel component 1 (Er blood group); minus strand). Cytogenetic location: 16q24.3.
Variant type: single nucleotide variant.
Coding change: c.7174G>A on transcript NM_001142864.4 (MANE Select); coding-DNA position 7174, G replaced by A.
Protein change: p.Glu2392Lys; replaces glutamic acid 2392 with lysine.
Molecular consequence: missense variant.
Genome position (GRCh38, 1-based): chr16:88,716,075, C>T on the plus strand (G>A on the coding strand, the complement: PIEZO1 is on the minus strand). VCF-style: chr16-88716075-C-T. GRCh37 (hg19) VCF-style: chr16-88782483-C-T.
Other names: PIEZO1, GLU2392LYS (rs528448732); c.7174G>A (NM_001142864.3); short protein forms E2392K.
Identifiers: ClinVar variation 1163588 (VCV001163588.15), dbSNP rs528448732, ClinGen allele CA8231387.

ClinVar aggregate classification (germline): Conflicting classifications of pathogenicity. Review status: criteria provided, conflicting classifications (1 of 4 stars). 7 submissions from 6 submitters: Uncertain significance (4); Benign (1). 2 of the submissions do not count toward it. Last evaluated 2026-01-22.

Conditions:
PIEZO1-related disorder. Also called: PIEZO1-Related Disorders; PIEZO1-related condition.
Blood group, ER (ER). Also called: ER BLOOD GROUP SYSTEM. Identifiers: MedGen C5703066, OMIM 620207.
ER BLOOD GROUP SYSTEM, ER(a-b-).
Inborn genetic diseases. Identifiers: MedGen C0950123, MeSH D030342.

Allele frequency attached by ClinVar (database versions not stated): 1000 Genomes Project 30x 0.00016; 1000 Genomes Project 0.00020; TOPMed 0.00040; gnomAD 0.00046 and 0.00048.
gnomAD v4.1: 1,436 of 1,549,812 alleles (0.093%); highest among the groups gnomAD compares: Non-Finnish European, 0.12%; 1 homozygote.

Submissions (7):

Labcorp Genetics (formerly Invitae), Labcorp
Classification: Benign. Last evaluated: 2026-01-22. Review status: criteria provided, single submitter. Criteria: Invitae Variant Classification Sherloc (09022015). Collection method: clinical testing. Allele origin: germline.

Mayo Clinic Laboratories, Mayo Clinic
Classification: Uncertain significance. Last evaluated: 2025-08-27. Review status: criteria provided, single submitter. Criteria: ACMG Guidelines, 2015. Collection method: clinical testing. Allele origin: germline. Observed: 4 variant alleles.
Comment: BP4

Revvity Omics, Revvity
Classification: Uncertain significance. Last evaluated: 2024-10-10. Review status: criteria provided, single submitter. Criteria: ACMG Guidelines, 2015. Collection method: clinical testing. Allele origin: germline.

PreventionGenetics, part of Exact Sciences
Classification: Uncertain significance for PIEZO1-related condition. Last evaluated: 2023-06-19. Review status: criteria provided, single submitter. Criteria: ACMG Guidelines, 2015. Collection method: clinical testing. Allele origin: germline.
Comment: The PIEZO1 c.7174G>A variant is predicted to result in the amino acid substitution p.Glu2392Lys. To our knowledge, this variant has not been reported in individuals with PIEZO1-related disease. This variant is reported in 0.078% of alleles in individuals of European (Non-Finnish) descent in gnomAD. In ClinVar, this variant is classified as uncertain. Although we suspect that this variant may be benign, at this time, the clinical significance of this variant is uncertain due to the absence of conclusive functional and genetic evidence.

Ambry Genetics
Classification: Uncertain significance for Inborn genetic diseases. Last evaluated: 2022-02-10. Review status: criteria provided, single submitter. Criteria: Ambry Variant Classification Scheme 2023. Collection method: clinical testing. Allele origin: germline.

OMIM
Classification: Affects for ER BLOOD GROUP SYSTEM, ER(a-b+). Last evaluated: 2023-01-26. Review status: no assertion criteria provided. Collection method: literature only. Allele origin: germline. Not counted in ClinVar's aggregate classification.

OMIM
Classification: Pathogenic for ER BLOOD GROUP SYSTEM, ER(a-b-). Last evaluated: 2023-01-26. Review status: no assertion criteria provided. Collection method: literature only. Allele origin: germline. Not counted in ClinVar's aggregate classification.

Literature cited by the submitters: PubMed 36122374 (cited by Mayo Clinic Laboratories, Mayo Clinic and OMIM); PubMed 36633886 (cited by Mayo Clinic Laboratories, Mayo Clinic).